The following is an entry in ClinVar:

ClinVar aggregate classification (germline): Pathogenic/Likely pathogenic. Review status: criteria provided, multiple submitters, no conflicts (2 of 4 stars). 2 submissions from 2 submitters: Pathogenic (1); Likely pathogenic (1). Last evaluated 2025-03-17.

Conditions:
HGSNAT-related disorders.
Mucopolysaccharidosis, MPS-III-C (MPS3C). Also called: SANFILIPPO SYNDROME C; MPS III C; MPS IIIC (Sanfilippo Syndrome Type C); MUCOPOLYSACCHARIDOSIS, TYPE IIIC; Mucopolysaccharidosis type IIIC (Sanfilippo C); mucopolysaccharidosis type 3C. Identifiers: Orphanet 581, Orphanet 79271, MedGen C0086649, MONDO:0009657, OMIM 252930.
Retinitis pigmentosa 73 (RP73). Identifiers: Orphanet 791, MedGen C4225287, MONDO:0014687, OMIM 616544.

Submissions (2):

Labcorp Genetics (formerly Invitae), Labcorp
Classification: Pathogenic for Retinitis pigmentosa 73; Mucopolysaccharidosis, MPS-III-C. Last evaluated: 2025-03-17. Review status: criteria provided, single submitter. Criteria: Invitae Variant Classification Sherloc (09022015). Collection method: clinical testing. Allele origin: germline.
Comment: This sequence change creates a premature translational stop signal (p.Ile345Serfs*5) in the HGSNAT gene. It is expected to result in an absent or disrupted protein product. Loss-of-function variants in HGSNAT are known to be pathogenic (PMID: 17033958, 19479962, 25859010). This variant is not present in population databases (gnomAD no frequency). This premature translational stop signal has been observed in individual(s) with mucopolysaccharidosis type III (PMID: 17033958). This variant is also known as c.1118_1133del p.I373SfsX3. ClinVar contains an entry for this variant (Variation ID: 1458765). For these reasons, this variant has been classified as Pathogenic.

Blueprint Genetics
Classification: Likely pathogenic for HGSNAT-related disorders. Last evaluated: 2021-10-20. Review status: criteria provided, single submitter. Criteria: ACMG Guidelines, 2015. Collection method: clinical testing. Allele origin: germline. Affected: yes. Observed: 1 variant allele.

Literature cited by the submitters: PubMed 17033958 (cited by Labcorp Genetics (formerly Invitae), Labcorp); PubMed 19479962 (cited by Labcorp Genetics (formerly Invitae), Labcorp); PubMed 25859010 (cited by Labcorp Genetics (formerly Invitae), Labcorp).

NM_152419.3(HGSNAT):c.1034_1049del (p.Ile345fs)

Gene: HGSNAT (heparan-alpha-glucosaminide N-acetyltransferase; plus strand). Cytogenetic location: 8p11.21.
Variant type: Deletion.
Coding change: c.1034_1049del on transcript NM_152419.3 (MANE Select); coding-DNA positions 1034 to 1049, 16 bases deleted (TTCCTGGTGTGCTGCA).
Protein change: p.Ile345fs; shifts the reading frame from isoleucine 345.
Molecular consequence: frameshift variant.
Genome position (GRCh38, 1-based): chr8:43,182,166-43,182,181, TTCCTGGTGTGCTGCA deleted; deleting any 16 consecutive bases within chr8:43,182,163-43,182,181 gives the same sequence; the c. name uses the placement nearest the transcript's 3' end. VCF-style (leftmost placement, unchanged base first): chr8-43182162-CGCATTCCTGGTGTGCT-C. GRCh37 (hg19) VCF-style: chr8-43037305-CGCATTCCTGGTGTGCT-C.
Other names: c.1034_1049del, p.Ile345fs (NM_001363227.2); c.842_857del, p.Ile281fs (NM_001363228.2); c.170_185del, p.Ile57fs (NM_001363229.2); short protein forms I57fs, I281fs, I345fs.
Identifiers: ClinVar variation 1458765 (VCV001458765.9), dbSNP rs2130783645, ClinGen allele CA2573143139.
Genomic context (GRCh38, chr8:43,182,162, plus strand): 5'-AGAAGTCCTGGCTAACACTTGACCTAACTTGTGTCTTTTGCAGTGTCTTGGGACAAGGTG[CGCATTCCTGGTGTGCT>C]GCAGCGATTGGGAGTGACATACTTTGTGGTTGCTGTGTTGGAGCTCCTCTTTGCTAAACC-3'